The following is an entry in ClinVar:

NM_004438.5(EPHA4):c.1328C>G (p.Ser443Cys)

Gene: EPHA4 (EPH receptor A4; minus strand). Cytogenetic location: 2q36.1.
Variant type: single nucleotide variant.
Coding change: c.1328C>G on transcript NM_004438.5 (MANE Select); coding-DNA position 1328, C replaced by G.
Protein change: p.Ser443Cys; replaces serine 443 with cysteine.
Molecular consequence: missense variant.
Genome position (GRCh38, 1-based): chr2:221,457,981, G>C on the plus strand (C>G on the coding strand, the complement: EPHA4 is on the minus strand). VCF-style: chr2-221457981-G-C. GRCh37 (hg19) VCF-style: chr2-222322701-G-C.
Other names: c.1328C>G, p.Ser443Cys (NM_001304536.2, NM_001363748.2); c.1175C>G, p.Ser392Cys (NM_001304537.2); short protein forms S392C, S443C.
Identifiers: ClinVar variation 3611971 (VCV003611971.2).

ClinVar aggregate classification (germline): Uncertain significance (1 of 4 stars; one submission).

gnomAD v4.1: 2 of 1,611,868 alleles (0.00012%); highest among the groups gnomAD compares: Non-Finnish European, 0.00017%; no homozygotes.

Submission:

Labcorp Genetics (formerly Invitae), Labcorp
Classification: Uncertain significance. Last evaluated: 2024-06-24. Review status: criteria provided, single submitter. Criteria: Invitae Variant Classification Sherloc (09022015). Collection method: clinical testing. Allele origin: germline.
Comment: This sequence change replaces serine, which is neutral and polar, with cysteine, which is neutral and slightly polar, at codon 443 of the EPHA4 protein (p.Ser443Cys). This variant is present in population databases (no rsID available, gnomAD 0.0009%). This variant has not been reported in the literature in individuals affected with EPHA4-related conditions. Advanced modeling of protein sequence and biophysical properties (such as structural, functional, and spatial information, amino acid conservation, physicochemical variation, residue mobility, and thermodynamic stability) performed at Invitae indicates that this missense variant is not expected to disrupt EPHA4 protein function with a negative predictive value of 80%. In summary, the available evidence is currently insufficient to determine the role of this variant in disease. Therefore, it has been classified as a Variant of Uncertain Significance.